The following is an entry in ClinVar:

ClinVar aggregate classification (germline): Uncertain significance (1 of 4 stars; one submission).

Allele frequency attached by ClinVar (database versions not stated): gnomAD 0.00001; gnomAD exomes 0.00001; TOPMed 0.00001; ExAC 0.00002; ESP Exome Variant Server 0.00008.
gnomAD v4.1: 19 of 1,614,106 alleles (0.0012%); highest among the groups gnomAD compares: Non-Finnish European, 0.0015%; no homozygotes.

Submission:

Labcorp Genetics (formerly Invitae), Labcorp
Classification: Uncertain significance. Last evaluated: 2023-09-03. Review status: criteria provided, single submitter. Criteria: Invitae Variant Classification Sherloc (09022015). Collection method: clinical testing. Allele origin: germline.
Comment: An algorithm developed to predict the effect of missense changes on protein structure and function (PolyPhen-2) suggests that this variant is likely to be disruptive. This sequence change replaces glutamic acid, which is acidic and polar, with valine, which is neutral and non-polar, at codon 1774 of the FN1 protein (p.Glu1774Val). This variant is present in population databases (rs372281306, gnomAD 0.002%). This variant has not been reported in the literature in individuals affected with FN1-related conditions. In summary, the available evidence is currently insufficient to determine the role of this variant in disease. Therefore, it has been classified as a Variant of Uncertain Significance.

NM_212482.4(FN1):c.5321A>T (p.Glu1774Val)

Gene: FN1 (fibronectin 1; minus strand). Cytogenetic location: 2q35.
Variant type: single nucleotide variant.
Coding change: c.5321A>T on transcript NM_212482.4 (MANE Select); coding-DNA position 5321, A replaced by T.
Protein change: p.Glu1774Val; replaces glutamic acid 1774 with valine.
Molecular consequence: missense variant. On other transcripts: intron variant (10).
Genome position (GRCh38, 1-based): chr2:215,380,924, T>A on the plus strand (A>T on the coding strand, the complement: FN1 is on the minus strand). VCF-style: chr2-215380924-T-A. GRCh37 (hg19) VCF-style: chr2-216245647-T-A.
Other names: c.5321A>T, p.Glu1774Val (NM_001306129.2); c.5048A>T, p.Glu1683Val (NM_001365518.2, NM_001365520.2, NM_001365524.2 and 2 more transcripts); c.4891+1288A>T (NM_212474.3, NM_001306132.2, NM_001365523.2 and 2 more transcripts); c.5164+1288A>T (NM_001306130.2, NM_001365522.2, NM_001365519.2 and 2 more transcripts); short protein forms E1774V, E1683V.
Identifiers: ClinVar variation 3018450 (VCV003018450.3), dbSNP rs372281306, ClinGen allele CA2094176.